The following is an entry in ClinVar:

NM_014974.3(DIP2C):c.2500G>A (p.Val834Met)

Gene: DIP2C (DIP2 acetate--CoA ligase C (putative); minus strand). Cytogenetic location: 10p15.3.
Variant type: single nucleotide variant.
Coding change: c.2500G>A on transcript NM_014974.3 (MANE Select); coding-DNA position 2500, G replaced by A.
Protein change: p.Val834Met; replaces valine 834 with methionine.
Molecular consequence: missense variant.
Genome position (GRCh38, 1-based): chr10:363,289, C>T on the plus strand (G>A on the coding strand, the complement: DIP2C is on the minus strand). VCF-style: chr10-363289-C-T. GRCh37 (hg19) VCF-style: chr10-409229-C-T.
Other names: short protein forms V834M.
Identifiers: ClinVar variation 4011770 (VCV004011770.2).

ClinVar aggregate classification (germline): Uncertain significance. Review status: criteria provided, multiple submitters, no conflicts (2 of 4 stars). 2 submissions from 2 submitters: Uncertain significance (2). Last evaluated 2025-11-12.

Conditions:
Inborn genetic diseases. Identifiers: MedGen C0950123, MeSH D030342.

gnomAD v4.1: 57 of 1,611,918 alleles (0.0035%); highest among the groups gnomAD compares: Non-Finnish European, 0.0043%; no homozygotes.

Submissions (2):

Labcorp Genetics (formerly Invitae), Labcorp
Classification: Uncertain significance. Last evaluated: 2025-11-12. Review status: criteria provided, single submitter. Criteria: Invitae Variant Classification Sherloc (09022015). Collection method: clinical testing. Allele origin: germline.
Comment: This sequence change replaces valine, which is neutral and non-polar, with methionine, which is neutral and non-polar, at codon 834 of the DIP2C protein (p.Val834Met). The frequency data for this variant in the population databases is considered unreliable, as metrics indicate poor data quality at this position in the gnomAD database. This variant has not been reported in the literature in individuals affected with DIP2C-related conditions. ClinVar contains an entry for this variant (Variation ID: 4011770). An algorithm developed to predict the effect of missense changes on protein structure and function (PolyPhen-2) suggests that this variant is likely to be disruptive. In summary, the available evidence is currently insufficient to determine the role of this variant in disease. Therefore, it has been classified as a Variant of Uncertain Significance.

Ambry Genetics
Classification: Uncertain significance for Inborn genetic diseases. Last evaluated: 2025-04-09. Review status: criteria provided, single submitter. Criteria: Ambry Variant Classification Scheme 2023. Collection method: clinical testing. Allele origin: germline.